The following is an entry in ClinVar:

ClinVar aggregate classification (germline): Uncertain significance. Review status: criteria provided, multiple submitters, no conflicts (2 of 4 stars). 3 submissions from 3 submitters: Uncertain significance (3). Last evaluated 2025-12-08.

Conditions:
Idiopathic Pulmonary Fibrosis. Also called: Idiopathic fibrosing alveolitis, chronic form; idiopathic fibrosing alveolitis. Identifiers: Orphanet 2032, MedGen C1800706, MeSH D054990, MONDO:0800504.
Dyskeratosis congenita, autosomal dominant 2. Identifiers: MedGen C3151443, MONDO:0013521, OMIM 613989.
Pulmonary fibrosis and/or bone marrow failure, Telomere-related, 1. Also called: PULMONARY FIBROSIS AND/OR BONE MARROW FAILURE SYNDROME, TELOMERE-RELATED, 1. Identifiers: Orphanet 88, MedGen C3553617, MONDO:0013878, OMIM 614742.
Dyskeratosis congenita. Identifiers: Orphanet 1775, MedGen C0265965, MONDO:0015780.

Allele frequency attached by ClinVar (database versions not stated): gnomAD 0.00001; TOPMed 0.00001.
gnomAD v4.1: 8 of 1,612,882 alleles (0.0005%); highest among the groups gnomAD compares: Non-Finnish European, 0.00059%; no homozygotes.

Submissions (3):

Ambry Genetics
Classification: Uncertain significance for Dyskeratosis congenita. Last evaluated: 2025-12-08. Review status: criteria provided, single submitter. Criteria: Ambry Variant Classification Scheme 2023. Collection method: clinical testing. Allele origin: germline.
Comment: The p.V818M variant (also known as c.2452G>A), located in coding exon 8 of the TERT gene, results from a G to A substitution at nucleotide position 2452. The valine at codon 818 is replaced by methionine, an amino acid with highly similar properties. This amino acid position is conserved. In addition, the in silico prediction for this alteration is inconclusive. Based on the available evidence, the clinical significance of this variant remains unclear.

Labcorp Genetics (formerly Invitae), Labcorp
Classification: Uncertain significance for Dyskeratosis congenita, autosomal dominant 2; Idiopathic Pulmonary Fibrosis. Last evaluated: 2025-04-03. Review status: criteria provided, single submitter. Criteria: Invitae Variant Classification Sherloc (09022015). Collection method: clinical testing. Allele origin: germline.
Comment: This sequence change replaces valine, which is neutral and non-polar, with methionine, which is neutral and non-polar, at codon 818 of the TERT protein (p.Val818Met). This variant is present in population databases (no rsID available, gnomAD 0.007%). This variant has not been reported in the literature in individuals affected with TERT-related conditions. ClinVar contains an entry for this variant (Variation ID: 1000721). Invitae Evidence Modeling of protein sequence and biophysical properties (such as structural, functional, and spatial information, amino acid conservation, physicochemical variation, residue mobility, and thermodynamic stability) indicates that this missense variant is not expected to disrupt TERT protein function with a negative predictive value of 95%. In summary, the available evidence is currently insufficient to determine the role of this variant in disease. Therefore, it has been classified as a Variant of Uncertain Significance.

Genomic Medicine Center of Excellence, King Faisal Specialist Hospital and Research Centre
Classification: Uncertain significance for Pulmonary fibrosis and/or bone marrow failure, Telomere-related, 1. Last evaluated: 2024-12-19. Review status: criteria provided, single submitter. Criteria: ACMG Guidelines, 2015. Collection method: clinical testing. Allele origin: germline.

NM_198253.3(TERT):c.2452G>A (p.Val818Met)

Gene: TERT (telomerase reverse transcriptase; minus strand). Cytogenetic location: 5p15.33.
Variant type: single nucleotide variant.
Coding change: c.2452G>A on transcript NM_198253.3 (MANE Select); coding-DNA position 2452, G replaced by A.
Protein change: p.Val818Met; replaces valine 818 with methionine.
Molecular consequence: missense variant.
Genome position (GRCh38, 1-based): chr5:1,271,135, C>T on the plus strand (G>A on the coding strand, the complement: TERT is on the minus strand). VCF-style: chr5-1271135-C-T. GRCh37 (hg19) VCF-style: chr5-1271250-C-T.
Other names: c.2452G>A, p.Val818Met (NM_001193376.3); short protein forms V818M.
Identifiers: ClinVar variation 1000721 (VCV001000721.11), dbSNP rs1046621943, ClinGen allele CA112943736.